The following is an entry in ClinVar:

ClinVar aggregate classification (germline): Likely benign (1 of 4 stars; one submission).

Submission:

CeGaT Center for Human Genetics Tuebingen
Classification: Likely benign. Last evaluated: 2025-12-01. Review status: criteria provided, single submitter. Criteria: CeGaT Center For Human Genetics Tuebingen Variant Classification Criteria Version 2. Collection method: clinical testing. Allele origin: germline. Affected: yes. Observed: 1 variant allele.
Comment: ANK2: PM2:Supporting, BP4, BP7

NM_001148.6(ANK2):c.10296C>T (p.Ala3432=)

Gene: ANK2 (ankyrin 2; plus strand). Cytogenetic location: 4q26.
Variant type: single nucleotide variant.
Coding change: c.10296C>T on transcript NM_001148.6 (MANE Select); coding-DNA position 10296, C replaced by T.
Protein change: p.Ala3432=; no amino-acid change (alanine 3432 retained).
Molecular consequence: synonymous variant. On other transcripts: intron variant (68).
Genome position (GRCh38, 1-based): chr4:113,358,914, C>T. VCF-style: chr4-113358914-C-T. GRCh37 (hg19) VCF-style: chr4-114280070-C-T.
Other names: c.10062C>T, p.Ala3354= (NM_001386142.1); c.6696C>T, p.Ala2232= (NM_001386166.1); c.10437C>T, p.Ala3479= (NM_001386174.1); c.10413C>T, p.Ala3471= (NM_001386175.1); c.4412-1909C>T (NM_001386186.2, NM_001386148.2); c.4214-1909C>T (NM_001354269.3); c.4292-1909C>T (NM_001386187.2); c.4253-1909C>T (NM_001386147.1); and 35 more.
Identifiers: ClinVar variation 4822892 (VCV004822892.4).